The following is an entry in ClinVar:

NM_001605.3(AARS1):c.176C>T (p.Pro59Leu)

Gene: AARS1 (alanyl-tRNA synthetase 1; minus strand). Cytogenetic location: 16q22.1.
Variant type: single nucleotide variant.
Coding change: c.176C>T on transcript NM_001605.3 (MANE Select); coding-DNA position 176, C replaced by T.
Protein change: p.Pro59Leu; replaces proline 59 with leucine.
Molecular consequence: missense variant.
Genome position (GRCh38, 1-based): chr16:70,277,123, G>A on the plus strand (C>T on the coding strand, the complement: AARS1 is on the minus strand). VCF-style: chr16-70277123-G-A. GRCh37 (hg19) VCF-style: chr16-70311026-G-A.
Other names: short protein forms P59L.
Identifiers: ClinVar variation 580804 (VCV000580804.16), dbSNP rs1337985053, ClinGen allele CA396569787.
Genomic context (GRCh38, chr16:70,277,123, plus strand): 5'-CCAGCCCGGATGCACTTCTGGGTATTGGCAGCTCTGCTCAGCTTTGCCATGGGGTGAGAT[G>A]GGTCAATTGTGTTCAGGAAAATGGGTTTAAACTAAAAGAGAAGGACAGCAGTTCAACTTT-3'
Protein context (NP_001596.2, residues 49-69): FKPIFLNTID[Pro59Leu]SHPMAKLSRA

ClinVar aggregate classification (germline): Uncertain significance. Review status: criteria provided, multiple submitters, no conflicts (2 of 4 stars). 4 submissions from 4 submitters: Uncertain significance (4). Last evaluated 2025-05-23.

Conditions:
Inborn genetic diseases. Identifiers: MedGen C0950123, MeSH D030342.
Charcot-Marie-Tooth disease type 2. Also called: Charcot-Marie-Tooth type 2. Identifiers: Orphanet 64746, MedGen C0270914, MONDO:0018993.

Allele frequency attached by ClinVar (database versions not stated): TOPMed below 0.00001; gnomAD 0.00001.

Submissions (4):

GeneDx
Classification: Uncertain significance. Last evaluated: 2025-05-23. Review status: criteria provided, single submitter. Criteria: GeneDx Variant Classification Process June 2021. Collection method: clinical testing. Allele origin: germline. Affected: yes.
Comment: Not observed at significant frequency in large population cohorts (gnomAD); In silico analysis supports that this missense variant has a deleterious effect on protein structure/function; Has not been previously published as pathogenic or benign to our knowledge; This variant is associated with the following publications: (PMID: 25817015)

Labcorp Genetics (formerly Invitae), Labcorp
Classification: Uncertain significance for Charcot-Marie-Tooth disease type 2. Last evaluated: 2023-12-27. Review status: criteria provided, single submitter. Criteria: Invitae Variant Classification Sherloc (09022015). Collection method: clinical testing. Allele origin: germline.
Comment: This sequence change replaces proline, which is neutral and non-polar, with leucine, which is neutral and non-polar, at codon 59 of the AARS protein (p.Pro59Leu). This variant is not present in population databases (gnomAD no frequency). This variant has not been reported in the literature in individuals affected with AARS-related conditions. ClinVar contains an entry for this variant (Variation ID: 580804). Advanced modeling of protein sequence and biophysical properties (such as structural, functional, and spatial information, amino acid conservation, physicochemical variation, residue mobility, and thermodynamic stability) has been performed at Invitae for this missense variant, however the output from this modeling did not meet the statistical confidence thresholds required to predict the impact of this variant on AARS protein function. In summary, the available evidence is currently insufficient to determine the role of this variant in disease. Therefore, it has been classified as a Variant of Uncertain Significance.

Ambry Genetics
Classification: Uncertain significance for Inborn genetic diseases. Last evaluated: 2022-07-29. Review status: criteria provided, single submitter. Criteria: Ambry Variant Classification Scheme 2023. Collection method: clinical testing. Allele origin: germline.
Comment: The p.P59L variant (also known as c.176C>T), located in coding exon 2 of the AARS gene, results from a C to T substitution at nucleotide position 176. The proline at codon 59 is replaced by leucine, an amino acid with similar properties. This amino acid position is conserved. In addition, this alteration is predicted to be deleterious by in silico analysis. Since supporting evidence is limited at this time, the clinical significance of this alteration remains unclear.

Centre for Mendelian Genomics, University Medical Centre Ljubljana
Classification: Uncertain significance. Last evaluated: 2019-06-24. Review status: criteria provided, single submitter. Criteria: ACMG Guidelines, 2015. Collection method: clinical testing. Allele origin: unknown. Affected: yes.
Comment: This variant was classified as: Uncertain significance. The available evidence on this variant's pathogenicity is insufficient or conflicting. The following ACMG criteria were applied in classifying this variant: PM2,PP3.